The following is an entry in ClinVar:

NM_001330260.2(SCN8A):c.5672G>A (p.Arg1891His)

Gene: SCN8A (sodium voltage-gated channel alpha subunit 8; plus strand). Cytogenetic location: 12q13.13.
Variant type: single nucleotide variant.
Coding change: c.5672G>A on transcript NM_001330260.2 (MANE Select); coding-DNA position 5672, G replaced by A.
Protein change: p.Arg1891His; replaces arginine 1891 with histidine.
Molecular consequence: missense variant.
Genome position (GRCh38, 1-based): chr12:51,807,158, G>A. VCF-style: chr12-51807158-G-A. GRCh37 (hg19) VCF-style: chr12-52200942-G-A.
Other names: c.5549G>A, p.Arg1850His (NM_001177984.3, NM_001369788.1); c.5672G>A, p.Arg1891His (NM_014191.4); c.5672G>A (NM_014191.2); short protein forms R1891H, R1850H.
Identifiers: ClinVar variation 546708 (VCV000546708.53), dbSNP rs1555231135, ClinGen allele CA384888435.

ClinVar aggregate classification (germline): Uncertain significance. Review status: criteria provided, multiple submitters, no conflicts (2 of 4 stars). 4 submissions from 4 submitters: Uncertain significance (4). Last evaluated 2025-11-05.

Conditions:
Early-infantile DEE. Also called: Early infantile epileptic encephalopathy; Ohtahara syndrome; Early infantile epileptic encephalopathy with suppression bursts. Identifiers: Orphanet 1934, MedGen C0393706, MONDO:0800491.
Inborn genetic diseases. Identifiers: MedGen C0950123, MeSH D030342.

Allele frequency attached by ClinVar (database versions not stated): gnomAD exomes below 0.00001; TOPMed below 0.00001.
gnomAD v4.1: 4 of 1,613,888 alleles (0.00025%); highest among the groups gnomAD compares: South Asian, 0.0011%; no homozygotes.

Submissions (4):

Labcorp Genetics (formerly Invitae), Labcorp
Classification: Uncertain significance for Early-infantile DEE. Last evaluated: 2025-11-05. Review status: criteria provided, single submitter. Criteria: Invitae Variant Classification Sherloc (09022015). Collection method: clinical testing. Allele origin: germline.
Comment: This sequence change replaces arginine, which is basic and polar, with histidine, which is basic and polar, at codon 1891 of the SCN8A protein (p.Arg1891His). This variant is not present in population databases (gnomAD no frequency). This variant has not been reported in the literature in individuals affected with SCN8A-related conditions. ClinVar contains an entry for this variant (Variation ID: 546708). Invitae Evidence Modeling of protein sequence and biophysical properties (such as structural, functional, and spatial information, amino acid conservation, physicochemical variation, residue mobility, and thermodynamic stability) has been performed for this missense variant. However, the output from this modeling did not meet the statistical confidence thresholds required to predict the impact of this variant on SCN8A protein function. In summary, the available evidence is currently insufficient to determine the role of this variant in disease. Therefore, it has been classified as a Variant of Uncertain Significance.

GeneDx
Classification: Uncertain significance. Last evaluated: 2025-05-09. Review status: criteria provided, single submitter. Criteria: GeneDx Variant Classification Process June 2021. Collection method: clinical testing. Allele origin: germline. Affected: yes.
Comment: In silico analysis supports that this missense variant has a deleterious effect on protein structure/function; Has not been previously published as pathogenic or benign to our knowledge; This substitution is predicted to be within the C-terminal cytoplasmic domain

Ambry Genetics
Classification: Uncertain significance for Inborn genetic diseases. Last evaluated: 2025-03-21. Review status: criteria provided, single submitter. Criteria: Ambry Variant Classification Scheme 2023. Collection method: clinical testing. Allele origin: germline.

CeGaT Center for Human Genetics Tuebingen
Classification: Uncertain significance. Last evaluated: 2017-12-01. Review status: criteria provided, single submitter. Criteria: CeGaT Center For Human Genetics Tuebingen Variant Classification Criteria Version 2. Collection method: clinical testing. Allele origin: germline. Affected: yes. Observed: 1 variant allele.